The following is an entry in ClinVar:

ClinVar aggregate classification (germline): Conflicting classifications of pathogenicity. Review status: criteria provided, conflicting classifications (1 of 4 stars). 6 submissions from 6 submitters: Pathogenic (1); Likely pathogenic (1); Uncertain significance (3). 1 of the submissions does not count toward it. Last evaluated 2025-09-05.

Conditions:
Hypogonadotropic hypogonadism 2 with or without anosmia (HH2). Also called: HYPOGONADOTROPIC HYPOGONADISM 2 WITHOUT ANOSMIA; FGFR1-Related GnRH Deficiency (Kallmann Syndrome 2); HYPOGONADOTROPIC HYPOGONADISM 2 WITH OR WITHOUT ANOSMIA, SUSCEPTIBILITY TO; HYPOGONADOTROPIC HYPOGONADISM 2 WITHOUT ANOSMIA, SUSCEPTIBILITY TO. Identifiers: Orphanet 478, MedGen C1563720, MONDO:0007844, OMIM 147950. Disease mechanism: loss of function.
FGFR1-related disorder. Also called: FGFR1-related disorders; FGFR1-related condition. Identifiers: MedGen CN380097.
Pfeiffer syndrome (ACS5). Also called: ACS V. Identifiers: Orphanet 710, MedGen C0220658, MONDO:0007043, OMIM 101600.

Allele frequency attached by ClinVar (database versions not stated): gnomAD exomes below 0.00001; TOPMed below 0.00001.
gnomAD v4.1: 2 of 1,613,954 alleles (0.00012%); highest among the groups gnomAD compares: Non-Finnish European, 0.00017%; no homozygotes.

Submissions (6):

GeneDx
Classification: Uncertain significance. Last evaluated: 2025-09-05. Review status: criteria provided, single submitter. Criteria: GeneDx Variant Classification Process June 2021. Collection method: clinical testing. Allele origin: germline. Affected: yes.
Comment: Not observed in large population cohorts (gnomAD); In silico analysis supports that this missense variant has a deleterious effect on protein structure/function; In silico analysis supports a deleterious effect on splicing; This variant is associated with the following publications: (PMID: 23329143, 26152202, 31200363, 17624596, 18034870, 16882753, 37805574)

Labcorp Genetics (formerly Invitae), Labcorp
Classification: Pathogenic for Pfeiffer syndrome; Hypogonadotropic hypogonadism 2 with or without anosmia. Last evaluated: 2025-08-21. Review status: criteria provided, single submitter. Criteria: Invitae Variant Classification Sherloc (09022015). Collection method: clinical testing. Allele origin: germline.
Comment: This sequence change replaces alanine, which is neutral and non-polar, with valine, which is neutral and non-polar, at codon 343 of the FGFR1 protein (p.Ala343Val). This variant is not present in population databases (gnomAD no frequency). This missense change has been observed in individuals with FGFR1-related conditions (PMID: 16882753, 31200363, 37805574; internal data). ClinVar contains an entry for this variant (Variation ID: 1219296). Invitae Evidence Modeling of protein sequence and biophysical properties (such as structural, functional, and spatial information, amino acid conservation, physicochemical variation, residue mobility, and thermodynamic stability) indicates that this missense variant is not expected to disrupt FGFR1 protein function with a negative predictive value of 80%. Algorithms developed to predict the effect of sequence changes on RNA splicing suggest that this variant may disrupt the consensus splice site. For these reasons, this variant has been classified as Pathogenic.

Women's Health and Genetics/Laboratory Corporation of America, LabCorp
Classification: Uncertain significance. Last evaluated: 2024-09-12. Review status: criteria provided, single submitter. Criteria: LabCorp Variant Classification Summary - May 2015. Collection method: clinical testing. Allele origin: germline.
Comment: Variant summary: FGFR1 c.1028C>T (p.Ala343Val) results in a non-conservative amino acid change located in the immunoglobulin subtype 2 domain (IPR003598) of the encoded protein sequence. Three of five in-silico tools predict a benign effect of the variant on protein function. The variant was absent in 250014 control chromosomes. c.1028C>T has been reported in the literature in the heterozygous state in individuals affected with FGFR1-Related Disorders (Trabach_2006, Xu_2023). These data indicate that the variant may be associated with disease. To our knowledge, no experimental evidence demonstrating an impact on protein function has been reported. The following publications have been ascertained in the context of this evaluation (PMID: 16882753, 37805574). ClinVar contains an entry for this variant (Variation ID: 1219296). Based on the evidence outlined above, the variant was classified as VUS-possibly pathogenic.

Reproductive Endocrine Unit, Massachusetts General Hospital
Classification: Likely pathogenic for Hypogonadotropic hypogonadism 2 with or without anosmia. Last evaluated: 2023-05-04. Review status: criteria provided, single submitter. Criteria: ACMG Guidelines, 2015. Collection method: research. Allele origin: unknown. Affected: yes. Observed: 2 variant alleles.

Genetic Services Laboratory, University of Chicago
Classification: Uncertain significance. Last evaluated: 2020-01-21. Review status: criteria provided, single submitter. Criteria: ACMG Guidelines, 2015. Collection method: clinical testing. Allele origin: germline. Affected: no.

PreventionGenetics, part of Exact Sciences
Classification: Uncertain significance for FGFR1-related condition. Last evaluated: 2024-03-06. Review status: no assertion criteria provided. Collection method: clinical testing. Allele origin: germline. Not counted in ClinVar's aggregate classification.
Comment: The FGFR1 c.1028C>T variant is predicted to result in the amino acid substitution p.Ala343Val. This variant has been reported in individuals with Kallmann syndrome; however, conclusive evidence of pathogenicity was not presented (Trarbach et al. 2006. PubMed ID: 16882753; Amato et al. 2019. PubMed ID: 31200363). This variant has not been reported in a large population database, indicating this variant is rare. Although we suspect that this variant may be pathogenic, at this time, the clinical significance of this variant is uncertain due to the absence of conclusive functional and genetic evidence.

Literature cited by the submitters: PubMed 16882753 (cited by Labcorp Genetics (formerly Invitae), Labcorp and Women's Health and Genetics/Laboratory Corporation of America, LabCorp); PubMed 31200363 (cited by Labcorp Genetics (formerly Invitae), Labcorp); PubMed 37805574 (cited by Labcorp Genetics (formerly Invitae), Labcorp and Women's Health and Genetics/Laboratory Corporation of America, LabCorp).

NM_023110.3(FGFR1):c.1028C>T (p.Ala343Val)

Gene: FGFR1 (fibroblast growth factor receptor 1; minus strand). Cytogenetic location: 8p11.23.
Variant type: single nucleotide variant.
Coding change: c.1028C>T on transcript NM_023110.3 (MANE Select); coding-DNA position 1028, C replaced by T.
Protein change: p.Ala343Val; replaces alanine 343 with valine.
Molecular consequence: missense variant.
Genome position (GRCh38, 1-based): chr8:38,421,850, G>A on the plus strand (C>T on the coding strand, the complement: FGFR1 is on the minus strand). VCF-style: chr8-38421850-G-A. GRCh37 (hg19) VCF-style: chr8-38279368-G-A.
Other names: c.1028C>T, p.Ala343Val (NM_001174063.2); c.1004C>T, p.Ala335Val (NM_001174064.2); c.1022C>T, p.Ala341Val (NM_001174065.2, NM_001354367.2, NM_001354369.2 and 1 more transcripts); c.761C>T, p.Ala254Val (NM_001174066.2, NM_023105.3); c.1121C>T, p.Ala374Val (NM_001174067.2); c.755C>T, p.Ala252Val (NM_001354368.2, NM_001354370.2, NM_023106.3); short protein forms A252V, A254V, A335V, A341V, A343V, A374V.
Identifiers: ClinVar variation 1219296 (VCV001219296.13), dbSNP rs1818935081, ClinGen allele CA370734179.